The following is an entry in ClinVar:

ClinVar aggregate classification (germline): Uncertain significance (0 of 4 stars; one submission).

Conditions:
DNMT3A-related disorder. Also called: DNMT3A-related disorders; DNMT3A-related condition.

Submission:

PreventionGenetics, part of Exact Sciences
Classification: Uncertain significance for DNMT3A-related condition. Last evaluated: 2024-05-22. Review status: no assertion criteria provided. Collection method: clinical testing. Allele origin: germline.
Comment: The DNMT3A c.398A>G variant is predicted to result in the amino acid substitution p.Glu133Gly. To our knowledge, this variant has not been reported in the literature or in a large population database, indicating this variant is rare. At this time, the clinical significance of this variant is uncertain due to the absence of conclusive functional and genetic evidence.

NM_022552.5(DNMT3A):c.398A>G (p.Glu133Gly)

Gene: DNMT3A (DNA methyltransferase 3 alpha; minus strand). Cytogenetic location: 2p23.3.
Variant type: single nucleotide variant.
Coding change: c.398A>G on transcript NM_022552.5 (MANE Select); coding-DNA position 398, A replaced by G.
Protein change: p.Glu133Gly; replaces glutamic acid 133 with glycine.
Molecular consequence: missense variant. On other transcripts: non-coding transcript variant (1).
Genome position (GRCh38, 1-based): chr2:25,282,491, T>C on the plus strand (A>G on the coding strand, the complement: DNMT3A is on the minus strand). VCF-style: chr2-25282491-T-C. GRCh37 (hg19) VCF-style: chr2-25505360-T-C.
Other names: c.398A>G, p.Glu133Gly (NM_001320892.2, NM_175629.2, NM_175630.1); short protein forms E133G.
Identifiers: ClinVar variation 3357220 (VCV003357220.1).